The following is an entry in ClinVar:

ClinVar aggregate classification (germline): Uncertain significance (1 of 4 stars; one submission).

Conditions:
Nemaline myopathy 2 (NEM2). Also called: Nemaline myopathy 2, autosomal recessive. Identifiers: MedGen C1850569, MONDO:0009725, OMIM 256030.

Submission:

Labcorp Genetics (formerly Invitae), Labcorp
Classification: Uncertain significance for Nemaline myopathy 2. Last evaluated: 2022-09-01. Review status: criteria provided, single submitter. Criteria: Invitae Variant Classification Sherloc (09022015). Collection method: clinical testing. Allele origin: germline.
Comment: This sequence change replaces histidine, which is basic and polar, with asparagine, which is neutral and polar, at codon 7946 of the NEB protein (p.His7946Asn). In summary, the available evidence is currently insufficient to determine the role of this variant in disease. Therefore, it has been classified as a Variant of Uncertain Significance. Algorithms developed to predict the effect of missense changes on protein structure and function are either unavailable or do not agree on the potential impact of this missense change (SIFT: "Deleterious"; PolyPhen-2: "Not Available"; Align-GVGD: "Class C0"). This variant has not been reported in the literature in individuals affected with NEB-related conditions. This variant is not present in population databases (gnomAD no frequency).

NM_001164508.2(NEB):c.23731C>A (p.His7911Asn)

Genes: RIF1 (replication timing regulatory factor 1; plus strand), NEB (nebulin; minus strand). Cytogenetic location: 2q23.3.
Variant type: single nucleotide variant.
Coding change: c.23731C>A on transcript NM_001164508.2 (MANE Select); coding-DNA position 23731, C replaced by A.
Protein change: p.His7911Asn; replaces histidine 7911 with asparagine.
Molecular consequence: missense variant.
Genome position (GRCh38, 1-based): chr2:151,505,489, G>T on the plus strand (C>A on the coding strand, the complement: NEB is on the minus strand). VCF-style: chr2-151505489-G-T. GRCh37 (hg19) VCF-style: chr2-152362003-G-T.
Other names: c.23731C>A, p.His7911Asn (NM_001164507.2); c.23836C>A, p.His7946Asn (NM_001271208.2); c.18628C>A, p.His6210Asn (NM_004543.5); short protein forms H7911N, H7946N, H6210N.
Identifiers: ClinVar variation 1929524 (VCV001929524.5), dbSNP rs2551969611, ClinGen allele CA348783078.